The following is an entry in ClinVar:

NM_001430.5(EPAS1):c.413G>A (p.Cys138Tyr)

Gene: EPAS1 (endothelial PAS domain protein 1; plus strand). Cytogenetic location: 2p21.
Variant type: single nucleotide variant.
Coding change: c.413G>A on transcript NM_001430.5 (MANE Select); coding-DNA position 413, G replaced by A.
Protein change: p.Cys138Tyr; replaces cysteine 138 with tyrosine.
Molecular consequence: missense variant.
Genome position (GRCh38, 1-based): chr2:46,356,767, G>A. VCF-style: chr2-46356767-G-A. GRCh37 (hg19) VCF-style: chr2-46583906-G-A.
Other names: short protein forms C138Y.
Identifiers: ClinVar variation 1738146 (VCV001738146.3), dbSNP rs757004008, ClinGen allele CA1644638.

ClinVar aggregate classification (germline): Uncertain significance. Review status: criteria provided, multiple submitters, no conflicts (2 of 4 stars). 2 submissions from 2 submitters: Uncertain significance (2). Last evaluated 2023-08-29.

Conditions:
Inborn genetic diseases. Identifiers: MedGen C0950123, MeSH D030342.

Allele frequency attached by ClinVar (database versions not stated): TOPMed below 0.00001; ExAC 0.00001.
gnomAD v4.1: 3 of 1,614,080 alleles (0.00019%); highest among the groups gnomAD compares: African/African-American, 0.0013%; no homozygotes.

Submissions (2):

Blueprint Genetics
Classification: Uncertain significance. Last evaluated: 2023-08-29. Review status: criteria provided, single submitter. Criteria: ACMG Guidelines, 2015. Collection method: clinical testing. Allele origin: germline.

Ambry Genetics
Classification: Uncertain significance for Inborn genetic diseases. Last evaluated: 2022-05-12. Review status: criteria provided, single submitter. Criteria: Ambry Variant Classification Scheme 2023. Collection method: clinical testing. Allele origin: germline.
Comment: The p.C138Y variant (also known as c.413G>A), located in coding exon 4 of the EPAS1 gene, results from a G to A substitution at nucleotide position 413. The cysteine at codon 138 is replaced by tyrosine, an amino acid with highly dissimilar properties. This amino acid position is conserved. In addition, the in silico prediction for this alteration is inconclusive. Since supporting evidence is limited at this time, the clinical significance of this alteration remains unclear.